The following is an entry in ClinVar:

NM_004333.6(BRAF):c.74C>T (p.Pro25Leu)

Gene: BRAF (B-Raf proto-oncogene, serine/threonine kinase; minus strand). Cytogenetic location: 7q34.
Variant type: single nucleotide variant.
Coding change: c.74C>T on transcript NM_004333.6 (MANE Select); coding-DNA position 74, C replaced by T.
Protein change: p.Pro25Leu; replaces proline 25 with leucine.
Molecular consequence: missense variant.
Genome position (GRCh38, 1-based): chr7:140,924,630, G>A on the plus strand (C>T on the coding strand, the complement: BRAF is on the minus strand). VCF-style: chr7-140924630-G-A. GRCh37 (hg19) VCF-style: chr7-140624430-G-A.
Other names: p.Pro25Leu; c.74C>T, p.Pro25Leu (NM_001354609.2, NM_001374244.1, NM_001374258.1 and 7 more transcripts); short protein forms P25L.
Identifiers: ClinVar variation 2683000 (VCV002683000.1), dbSNP rs2536967702, ClinGen allele CA369590148.

ClinVar aggregate classification (germline): Uncertain significance (1 of 4 stars; one submission).

gnomAD v4.1: 1 of 1,515,172 alleles (0.000066%); highest among the groups gnomAD compares: Non-Finnish European, 0.000088%; no homozygotes.

Submission:

Mayo Clinic Laboratories, Mayo Clinic
Classification: Uncertain significance. Last evaluated: 2022-10-19. Review status: criteria provided, single submitter. Criteria: ACMG Guidelines, 2015. Collection method: clinical testing. Allele origin: germline. Observed: 1 variant allele.
Comment: BP4, BP5, PM2_supporting

Literature cited by the submitters: PubMed 30290804.